The following is an entry in ClinVar:

NM_004304.5(ALK):c.373A>G (p.Arg125Gly)

Gene: ALK (ALK receptor tyrosine kinase; minus strand). Cytogenetic location: 2p23.1.
Variant type: single nucleotide variant.
Coding change: c.373A>G on transcript NM_004304.5 (MANE Select); coding-DNA position 373, A replaced by G.
Protein change: p.Arg125Gly; replaces arginine 125 with glycine.
Molecular consequence: missense variant.
Genome position (GRCh38, 1-based): chr2:29,920,287, T>C on the plus strand (A>G on the coding strand, the complement: ALK is on the minus strand). VCF-style: chr2-29920287-T-C. GRCh37 (hg19) VCF-style: chr2-30143153-T-C.
Other names: short protein forms R125G.
Identifiers: ClinVar variation 3223873 (VCV003223873.1), dbSNP rs2465866360, ClinGen allele CA346590170.

ClinVar aggregate classification (germline): Uncertain significance (1 of 4 stars; one submission).

Conditions:
Hereditary cancer-predisposing syndrome. Also called: Tumor predisposition; Hereditary neoplastic syndrome; Hereditary Cancer Syndrome; Neoplastic Syndromes, Hereditary. Identifiers: Orphanet 140162, MedGen C0027672, MeSH D009386, MONDO:0015356.

Submission:

Ambry Genetics
Classification: Uncertain significance for Hereditary cancer-predisposing syndrome. Last evaluated: 2024-01-30. Review status: criteria provided, single submitter. Criteria: Ambry Variant Classification Scheme 2023. Collection method: clinical testing. Allele origin: germline.
Comment: The p.R125G variant (also known as c.373A>G), located in coding exon 1 of the ALK gene, results from an A to G substitution at nucleotide position 373. The arginine at codon 125 is replaced by glycine, an amino acid with dissimilar properties. This amino acid position is conserved. In addition, the in silico prediction for this alteration is inconclusive. Based on the available evidence, the clinical significance of this alteration remains unclear.